The following is an entry in ClinVar:

ClinVar aggregate classification (germline): Uncertain significance. Review status: criteria provided, multiple submitters, no conflicts (2 of 4 stars). 2 submissions from 2 submitters: Uncertain significance (2). Last evaluated 2026-03-12.

Conditions:
Cardiovascular phenotype. Identifiers: MedGen CN230736.
Ehlers-Danlos syndrome, classic type, 1 (EDSCL1). Also called: EHLERS-DANLOS SYNDROME, GRAVIS TYPE; EHLERS-DANLOS SYNDROME, SEVERE CLASSIC TYPE; Ehlers-Danlos syndrome, type 1; EDS I; Ehlers-Danlos Syndrome, Classic Type, COL5A1-Related. Identifiers: MedGen C0268335, MONDO:0019567, OMIM 130000.
Osteogenesis imperfecta type I (OI1). Also called: OI, TYPE I; OSTEOGENESIS IMPERFECTA TARDA; OSTEOGENESIS IMPERFECTA WITH BLUE SCLERAE; Osteogenesis imperfecta type 1; Lobstein's Disease; Lobstein disease. Identifiers: Orphanet 216796, Orphanet 666, MedGen C0023931, MONDO:0008146, OMIM 166200. Disease mechanism: loss of function.

Allele frequency attached by ClinVar (database versions not stated): ExAC 0.00001; gnomAD 0.00001; gnomAD exomes below 0.00001; TOPMed below 0.00001.
gnomAD v4.1: 3 of 1,613,042 alleles (0.00019%); highest among the groups gnomAD compares: East Asian, 0.0067%; no homozygotes.

Submissions (2):

Ambry Genetics
Classification: Uncertain significance for Cardiovascular phenotype. Last evaluated: 2026-03-12. Review status: criteria provided, single submitter. Criteria: Ambry Variant Classification Scheme 2023. Collection method: clinical testing. Allele origin: germline.
Comment: The p.Q212P variant (also known as c.635A>C), located in coding exon 13 of the COL1A2 gene, results from an A to C substitution at nucleotide position 635. The glutamine at codon 212 is replaced by proline, an amino acid with similar properties. This amino acid position is conserved. In addition, this alteration is predicted to be tolerated by in silico analysis. Based on the available evidence, the clinical significance of this variant remains unclear.

Labcorp Genetics (formerly Invitae), Labcorp
Classification: Uncertain significance for Osteogenesis imperfecta type I; Ehlers-Danlos syndrome, classic type, 1. Last evaluated: 2025-11-18. Review status: criteria provided, single submitter. Criteria: Invitae Variant Classification Sherloc (09022015). Collection method: clinical testing. Allele origin: germline.
Comment: This sequence change replaces glutamine, which is neutral and polar, with proline, which is neutral and non-polar, at codon 212 of the COL1A2 protein (p.Gln212Pro). This variant is present in population databases (rs774114240, gnomAD 0.02%). This variant has not been reported in the literature in individuals affected with COL1A2-related conditions. ClinVar contains an entry for this variant (Variation ID: 2063944). Invitae Evidence Modeling of protein sequence and biophysical properties (such as structural, functional, and spatial information, amino acid conservation, physicochemical variation, residue mobility, and thermodynamic stability) indicates that this missense variant is not expected to disrupt COL1A2 protein function with a negative predictive value of 95%. In summary, the available evidence is currently insufficient to determine the role of this variant in disease. Therefore, it has been classified as a Variant of Uncertain Significance.

NM_000089.4(COL1A2):c.635A>C (p.Gln212Pro)

Gene: COL1A2 (collagen type I alpha 2 chain; plus strand). Cytogenetic location: 7q21.3.
Variant type: single nucleotide variant.
Coding change: c.635A>C on transcript NM_000089.4 (MANE Select); coding-DNA position 635, A replaced by C.
Protein change: p.Gln212Pro; replaces glutamine 212 with proline.
Molecular consequence: missense variant.
Genome position (GRCh38, 1-based): chr7:94,407,887, A>C. VCF-style: chr7-94407887-A-C. GRCh37 (hg19) VCF-style: chr7-94037199-A-C.
Other names: short protein forms Q212P.
Identifiers: ClinVar variation 2063944 (VCV002063944.5), dbSNP rs774114240, ClinGen allele CA4346739.
Genomic context (GRCh38, chr7:94,407,887, plus strand): 5'-CTCAATCCTTCTCCATGTAGGGTGAACCTGGTGCCCCTGGTGAAAATGGAACTCCAGGTC[A>C]AACAGTAAGTATTGACTACTTCATTGTAAATTTAAATGTGTACACTCTTTATGAGATGGA-3'
Protein context (NP_000080.2, residues 202-222): GAPGENGTPG[Gln212Pro]TGARGLPGER